The following is an entry in ClinVar:

NM_023037.3(FRY):c.4077C>T (p.Tyr1359=)

Gene: FRY (FRY microtubule binding protein; plus strand). Cytogenetic location: 13q13.1.
Variant type: single nucleotide variant.
Coding change: c.4077C>T on transcript NM_023037.3 (MANE Select); coding-DNA position 4077, C replaced by T.
Protein change: p.Tyr1359=; no amino-acid change (tyrosine 1359 retained).
Molecular consequence: synonymous variant.
Genome position (GRCh38, 1-based): chr13:32,208,911, C>T. VCF-style: chr13-32208911-C-T. GRCh37 (hg19) VCF-style: chr13-32783048-C-T.
Identifiers: ClinVar variation 785896 (VCV000785896.29), dbSNP rs146669548, ClinGen allele CA6938821.

ClinVar aggregate classification (germline): Benign/Likely benign. Review status: criteria provided, multiple submitters, no conflicts (2 of 4 stars). 3 submissions from 3 submitters: Benign (2); Likely benign (1). Last evaluated 2023-05-01.

Allele frequency attached by ClinVar (database versions not stated): 1000 Genomes Project 0.00220; 1000 Genomes Project 30x 0.00234; ExAC 0.00282; gnomAD 0.00311 and 0.00312; gnomAD exomes 0.00315 and 0.00443; TOPMed 0.00403; ESP Exome Variant Server 0.00507.
gnomAD v4.1: 7,029 of 1,614,190 alleles (0.44%); highest among the groups gnomAD compares: Admixed American, 0.6%; 20 homozygotes.

Submissions (3):

CeGaT Center for Human Genetics Tuebingen
Classification: Likely benign. Last evaluated: 2023-05-01. Review status: criteria provided, single submitter. Criteria: CeGaT Center For Human Genetics Tuebingen Variant Classification Criteria Version 2. Collection method: clinical testing. Allele origin: germline. Affected: yes. Observed: 5 variant alleles.
Comment: FRY: BP4, BP7, BS2

Labcorp Genetics (formerly Invitae), Labcorp
Classification: Benign. Last evaluated: 2019-12-31. Review status: criteria provided, single submitter. Criteria: Invitae Variant Classification Sherloc (09022015). Collection method: clinical testing. Allele origin: germline.

Breakthrough Genomics
Classification: Benign. Review status: criteria provided, single submitter. Criteria: ACMG Guidelines, 2015. Collection method: not provided. Allele origin: germline. Inheritance: Unknown mechanism. Affected: yes.